The following is an entry in ClinVar:

NM_053025.4(MYLK):c.3376C>T (p.Pro1126Ser)

Gene: MYLK (myosin light chain kinase; minus strand). Cytogenetic location: 3q21.1.
Variant type: single nucleotide variant.
Coding change: c.3376C>T on transcript NM_053025.4 (MANE Select); coding-DNA position 3376, C replaced by T.
Protein change: p.Pro1126Ser; replaces proline 1126 with serine.
Molecular consequence: missense variant.
Genome position (GRCh38, 1-based): chr3:123,700,092, G>A on the plus strand (C>T on the coding strand, the complement: MYLK is on the minus strand). VCF-style: chr3-123700092-G-A. GRCh37 (hg19) VCF-style: chr3-123418939-G-A.
Other names: c.2848C>T, p.Pro950Ser (NM_001321309.2); c.3169C>T, p.Pro1057Ser (NM_053026.4, NM_053028.4); c.3376C>T, p.Pro1126Ser (NM_053027.4); short protein forms P1057S, P1126S, P950S.
Identifiers: ClinVar variation 1315949 (VCV001315949.2), dbSNP rs1479187660, ClinGen allele CA354228975.

ClinVar aggregate classification (germline): Uncertain significance (1 of 4 stars; one submission).

Submission:

GeneDx
Classification: Uncertain significance. Last evaluated: 2019-11-07. Review status: criteria provided, single submitter. Criteria: GeneDx Variant Classification Process June 2021. Collection method: clinical testing. Allele origin: germline. Affected: yes.
Comment: Has not been previously published as pathogenic or benign to our knowledge; Not observed in large population cohorts (Lek et al., 2016); In silico analysis, which includes protein predictors and evolutionary conservation, supports a deleterious effect